The following is an entry in ClinVar:

ClinVar aggregate classification (germline): Benign/Likely benign. Review status: criteria provided, multiple submitters, no conflicts (2 of 4 stars). 5 submissions from 5 submitters: Benign (1); Likely benign (4). Last evaluated 2025-02-04.

Conditions:
Hereditary cancer-predisposing syndrome. Also called: Neoplastic Syndromes, Hereditary; Tumor predisposition; Hereditary neoplastic syndrome; Hereditary Cancer Syndrome. Identifiers: Orphanet 140162, MedGen C0027672, MeSH D009386, MONDO:0015356.
Familial adenomatous polyposis 2. Also called: COLORECTAL ADENOMATOUS POLYPOSIS, AUTOSOMAL RECESSIVE; ADENOMAS, MULTIPLE COLORECTAL, AUTOSOMAL RECESSIVE; MUTYH-associated polyposis; FAP type 2; MUTYH-related attenuated familial adenomatous polyposis; Adenomas, multiple colorectal. Identifiers: Orphanet 220460, Orphanet 247798, MedGen C3272841, MONDO:0012041, OMIM 608456.

Allele frequency attached by ClinVar (database versions not stated): gnomAD exomes 0.00001.
gnomAD v4.1: 6 of 1,614,110 alleles (0.00037%); highest among the groups gnomAD compares: Non-Finnish European, 0.00042%; no homozygotes.

Submissions (5):

Labcorp Genetics (formerly Invitae), Labcorp
Classification: Likely benign for Familial adenomatous polyposis 2. Last evaluated: 2025-02-04. Review status: criteria provided, single submitter. Criteria: Invitae Variant Classification Sherloc (09022015). Collection method: clinical testing. Allele origin: germline.

All of Us Research Program, National Institutes of Health
Classification: Likely benign for Familial adenomatous polyposis 2. Last evaluated: 2023-08-15. Review status: criteria provided, single submitter. Criteria: ACMG Guidelines, 2015. Collection method: clinical testing. Allele origin: germline. Inheritance: Autosomal recessive inheritance. Observed: 1 variant allele, 1 heterozygote.
Comment: This study involves interpretation of variants in research participants for the purpose of population health screening. Participant phenotype was not available at the time of variant classification. Additional details can be found in publication PMID: 35346344, PMCID: PMC8962531

Color Diagnostics, LLC DBA Color Health
Classification: Likely benign for Hereditary cancer-predisposing syndrome. Last evaluated: 2018-06-04. Review status: criteria provided, single submitter. Criteria: ACMG Guidelines, 2015. Collection method: clinical testing. Allele origin: germline.

Ambry Genetics
Classification: Likely benign for Hereditary cancer-predisposing syndrome. Last evaluated: 2016-06-20. Review status: criteria provided, single submitter. Criteria: Ambry Variant Classification Scheme 2023. Collection method: clinical testing. Allele origin: germline.

GeneDx
Classification: Benign. Last evaluated: 2015-03-20. Review status: criteria provided, single submitter. Criteria: GeneDx Variant Classification Process June 2021. Collection method: clinical testing. Allele origin: germline. Affected: yes.

NM_001048174.2(MUTYH):c.1458C>T (p.Ser486=)

Gene: MUTYH (mutY DNA glycosylase; minus strand). Cytogenetic location: 1p34.1.
Variant type: single nucleotide variant.
Coding change: c.1458C>T on transcript NM_001048174.2 (MANE Select); coding-DNA position 1458, C replaced by T.
Protein change: p.Ser486=; no amino-acid change (serine 486 retained).
Molecular consequence: synonymous variant. On other transcripts: non-coding transcript variant (2).
Genome position (GRCh38, 1-based): chr1:45,329,414, G>A on the plus strand (C>T on the coding strand, the complement: MUTYH is on the minus strand). VCF-style: chr1-45329414-G-A. GRCh37 (hg19) VCF-style: chr1-45795086-G-A.
Other names: c.1458C>T, p.Ser486= (NM_001048171.2, NM_001048173.2, NM_001293195.2); c.1461C>T, p.Ser487= (NM_001048172.2); c.1542C>T, p.Ser514= (NM_001128425.2); c.1503C>T, p.Ser501= (NM_001293190.2); c.1491C>T, p.Ser497= (NM_001293191.2); c.1182C>T, p.Ser394= (NM_001293192.2, NM_001293196.2); c.1113C>T, p.Ser371= (NM_001350650.2, NM_001350651.2); c.1533C>T, p.Ser511= (NM_012222.3).
Identifiers: ClinVar variation 464701 (VCV000464701.21), dbSNP rs1000260695, ClinGen allele CA21833458.